The following is an entry in ClinVar:

ClinVar aggregate classification (germline): Uncertain significance (0 of 4 stars; one submission).

Conditions:
Prostate cancer. Also called: Malignant tumor of prostate. Identifiers: Orphanet 1331, MedGen C0376358, MONDO:0008315, HP:0012125.

Allele frequency attached by ClinVar (database versions not stated): gnomAD exomes 0.00003 and 0.00002; TOPMed 0.00001; ExAC 0.00003; gnomAD 0.00001; ESP Exome Variant Server 0.00008.

Submission:

Science for Life laboratory,  Karolinska Institutet
Classification: Uncertain significance for Malignant tumor of prostate. Review status: no assertion criteria provided. Collection method: not provided. Allele origin: somatic.
Comment: TumorID:SWE-9
ClinVar note: Converted during submission from Unknown to Uncertain significance.

NM_001191057.4(PDE1C):c.335G>A (p.Arg112Gln)

Gene: PDE1C (phosphodiesterase 1C; minus strand). Cytogenetic location: 7p14.3.
Variant type: single nucleotide variant.
Coding change: c.335G>A on transcript NM_001191057.4 (MANE Select); coding-DNA position 335, G replaced by A.
Protein change: p.Arg112Gln; replaces arginine 112 with glutamine.
Molecular consequence: missense variant.
Genome position (GRCh38, 1-based): chr7:31,879,086, C>T on the plus strand (G>A on the coding strand, the complement: PDE1C is on the minus strand). VCF-style: chr7-31879086-C-T. GRCh37 (hg19) VCF-style: chr7-31918699-C-T.
Other names: c.335G>A, p.Arg112Gln (NM_001191056.3, NM_001191059.4, NM_001322055.2 and 3 more transcripts); c.515G>A, p.Arg172Gln (NM_001191058.4, NM_001322058.2); c.740G>A, p.Arg247Gln (NM_001322059.2); short protein forms R112Q, R172Q, R247Q.
Identifiers: ClinVar variation 161559 (VCV000161559.2), dbSNP rs193921048, ClinGen allele CA174339.